The following is an entry in ClinVar:

ClinVar aggregate classification (germline): Uncertain significance. Review status: criteria provided, single submitter (1 of 4 stars). 2 submissions from 2 submitters: Uncertain significance (1). 1 of the submissions does not count toward it. Last evaluated 2019-07-24.

Conditions:
Charlevoix-Saguenay spastic ataxia (SACS). Also called: SPASTIC ATAXIA 6, AUTOSOMAL RECESSIVE; AUTOSOMAL RECESSIVE SPASTIC ATAXIA OF CHARLEVOIX-SAGUENAY; Spastic ataxia of Charlevoix-Saguenay. Identifiers: Orphanet 98, MedGen C1849140, MONDO:0010041, OMIM 270550.
Spastic paraplegia. Identifiers: MedGen C0037772, HP:0001258.

Submissions (2):

Labcorp Genetics (formerly Invitae), Labcorp
Classification: Uncertain significance for Spastic paraplegia. Last evaluated: 2019-07-24. Review status: criteria provided, single submitter. Criteria: Invitae Variant Classification Sherloc (09022015). Collection method: clinical testing. Allele origin: germline.
Comment: This sequence change replaces isoleucine with leucine at codon 3570 of the SACS protein (p.Ile3570Leu). The isoleucine residue is weakly conserved and there is a small physicochemical difference between isoleucine and leucine. This variant is not present in population databases (ExAC no frequency) and has not been reported in the literature in individuals with a SACS-related disease. Algorithms developed to predict the effect of missense changes on protein structure and function (SIFT, PolyPhen-2, Align-GVGD) all suggest that this variant is likely to be tolerated, but these predictions have not been confirmed by published functional studies. In summary, this is a novel missense change that is not predicted to affect protein function or cause disease. However, the evidence is insufficient at this time to prove that conclusively. It has been classified as a Variant of Uncertain Significance.

Natera, Inc.
Classification: Uncertain significance for Charlevoix-Saguenay type spastic ataxia. Last evaluated: 2025-02-24. Review status: no assertion criteria provided. Collection method: clinical testing. Allele origin: germline. Not counted in ClinVar's aggregate classification.

NM_014363.6(SACS):c.10708A>T (p.Ile3570Leu)

Gene: SACS (sacsin molecular chaperone; minus strand). Cytogenetic location: 13q12.12.
Variant type: single nucleotide variant.
Coding change: c.10708A>T on transcript NM_014363.6 (MANE Select); coding-DNA position 10708, A replaced by T.
Protein change: p.Ile3570Leu; replaces isoleucine 3570 with leucine.
Molecular consequence: missense variant.
Genome position (GRCh38, 1-based): chr13:23,333,168, T>A on the plus strand (A>T on the coding strand, the complement: SACS is on the minus strand). VCF-style: chr13-23333168-T-A. GRCh37 (hg19) VCF-style: chr13-23907307-T-A.
Other names: c.10267A>T, p.Ile3423Leu (NM_001278055.2); short protein forms I3570L, I3423L.
Identifiers: ClinVar variation 240891 (VCV000240891.11), dbSNP rs878854977, ClinGen allele CA10583060.